The following is an entry in ClinVar:

NM_018941.4(CLN8):c.544G>A (p.Ala182Thr)

Gene: CLN8 (CLN8 transmembrane ER and ERGIC protein; plus strand). Cytogenetic location: 8p23.3.
Variant type: single nucleotide variant.
Coding change: c.544G>A on transcript NM_018941.4 (MANE Select); coding-DNA position 544, G replaced by A.
Protein change: p.Ala182Thr; replaces alanine 182 with threonine.
Molecular consequence: missense variant.
Genome position (GRCh38, 1-based): chr8:1,780,250, G>A. VCF-style: chr8-1780250-G-A. GRCh37 (hg19) VCF-style: chr8-1728416-G-A.
Other names: short protein forms A182T.
Identifiers: ClinVar variation 1904269 (VCV001904269.2), dbSNP rs752847178, ClinGen allele CA4599304.

ClinVar aggregate classification (germline): Uncertain significance (1 of 4 stars; one submission).

Conditions:
Neuronal ceroid lipofuscinosis. Also called: Neuronal Ceroid Lipofuscinoses. Identifiers: Orphanet 216, Orphanet 79263, MedGen C0027877, MONDO:0016295. Disease mechanism: loss of function.

Allele frequency attached by ClinVar (database versions not stated): gnomAD exomes below 0.00001; ExAC 0.00001.
gnomAD v4.1: 3 of 1,614,272 alleles (0.00019%); highest among the groups gnomAD compares: South Asian, 0.0033%; no homozygotes.

Submission:

Labcorp Genetics (formerly Invitae), Labcorp
Classification: Uncertain significance for Neuronal ceroid lipofuscinosis. Last evaluated: 2021-09-01. Review status: criteria provided, single submitter. Criteria: Invitae Variant Classification Sherloc (09022015). Collection method: clinical testing. Allele origin: germline.
Comment: This sequence change replaces alanine with threonine at codon 182 of the CLN8 protein (p.Ala182Thr). The alanine residue is highly conserved and there is a small physicochemical difference between alanine and threonine. This variant is present in population databases (rs752847178, ExAC 0.006%). This variant has not been reported in the literature in individuals affected with CLN8-related conditions. Algorithms developed to predict the effect of missense changes on protein structure and function (SIFT, PolyPhen-2, Align-GVGD) all suggest that this variant is likely to be disruptive. In summary, the available evidence is currently insufficient to determine the role of this variant in disease. Therefore, it has been classified as a Variant of Uncertain Significance.